The following is an entry in ClinVar:

ClinVar aggregate classification (germline): Uncertain significance. Review status: criteria provided, multiple submitters, no conflicts (2 of 4 stars). 2 submissions from 2 submitters: Uncertain significance (2). Last evaluated 2024-03-21.

Conditions:
Hereditary cancer-predisposing syndrome. Also called: Neoplastic Syndromes, Hereditary; Tumor predisposition; Hereditary Cancer Syndrome; Hereditary neoplastic syndrome. Identifiers: Orphanet 140162, MedGen C0027672, MeSH D009386, MONDO:0015356.

Allele frequency attached by ClinVar (database versions not stated): gnomAD exomes below 0.00001 and 0.00001; TOPMed below 0.00001; ExAC 0.00001; gnomAD 0.00001; 1000 Genomes Project 30x 0.00016; 1000 Genomes Project 0.00020.
gnomAD v4.1: 8 of 1,611,712 alleles (0.0005%); highest among the groups gnomAD compares: East Asian, 0.0089%; no homozygotes.

Submissions (2):

Quest Diagnostics Nichols Institute San Juan Capistrano
Classification: Uncertain significance. Last evaluated: 2024-03-21. Review status: criteria provided, single submitter. Criteria: Quest Diagnostics criteria. Collection method: clinical testing. Allele origin: unknown.
Comment: The DICER1 c.-3T>C variant has been reported in the published literature in an individual with papillary thyroid cancer (PMID: 33718253 (2021)). The frequency of this variant in the general population, 0.0000082 (2/243942 chromosomes (Genome Aggregation Database)), is uninformative in the assessment of its pathogenicity. Analysis of this variant using software algorithms for the prediction of the effect of nucleotide changes on splicing yielded predictions that this variant does not affect DICER1 mRNA splicing. Based on the available information, we are unable to determine the clinical significance of this variant.

Ambry Genetics
Classification: Uncertain significance for Hereditary cancer-predisposing syndrome. Last evaluated: 2024-01-22. Review status: criteria provided, single submitter. Criteria: Ambry Variant Classification Scheme 2023. Collection method: clinical testing. Allele origin: germline.
Comment: The c.-3T>C variant is located in the 5' untranslated region (5&rsquo; UTR) of the DICER1 gene. This variant results from a T to C substitution 3 bases upstream from the first translated codon. This alteration has been reported in an individual with a personal history of papillary thyroid carcinoma (Canberk S et al. Eur Thyroid J, 2021 Feb;9:296-303). This nucleotide position is well conserved in available vertebrate species. Since supporting evidence is limited at this time, the clinical significance of this alteration remains unclear.

Literature cited by the submitters: PubMed 33718253 (cited by Quest Diagnostics Nichols Institute San Juan Capistrano and Ambry Genetics).

NM_177438.3(DICER1):c.-3T>C

Gene: DICER1 (dicer 1, ribonuclease III; minus strand). Cytogenetic location: 14q32.13.
Variant type: single nucleotide variant.
Coding change: c.-3T>C on transcript NM_177438.3 (MANE Select); 3 bases upstream of the start codon, T replaced by C.
Molecular consequence: 5 prime UTR variant.
Genome position (GRCh38, 1-based): chr14:95,133,461, A>G on the plus strand (T>C on the coding strand, the complement: DICER1 is on the minus strand). VCF-style: chr14-95133461-A-G. GRCh37 (hg19) VCF-style: chr14-95599798-A-G.
Other names: c.-3T>C (NM_001195573.1, NM_001271282.3, NM_001291628.2 and 1 more transcripts).
Identifiers: ClinVar variation 483411 (VCV000483411.6), dbSNP rs200884347, ClinGen allele CA7331762.